The following is an entry in ClinVar:

ClinVar aggregate classification (germline): Uncertain significance (1 of 4 stars; one submission).

gnomAD v4.1: 1 of 1,614,130 alleles (0.000062%); highest among the groups gnomAD compares: Non-Finnish European, 0.000085%; no homozygotes.

Submission:

Labcorp Genetics (formerly Invitae), Labcorp
Classification: Uncertain significance. Last evaluated: 2021-07-21. Review status: criteria provided, single submitter. Criteria: Invitae Variant Classification Sherloc (09022015). Collection method: clinical testing. Allele origin: germline.
Comment: This sequence change replaces arginine with proline at codon 42 of the LRRC10 protein (p.Arg42Pro). The arginine residue is highly conserved and there is a moderate physicochemical difference between arginine and proline. This variant is not present in population databases (ExAC no frequency). This variant has not been reported in the literature in individuals affected with LRRC10-related conditions. Algorithms developed to predict the effect of missense changes on protein structure and function are either unavailable or do not agree on the potential impact of this missense change (SIFT: "Deleterious"; PolyPhen-2: "Probably Damaging"; Align-GVGD: "Class C15"). In summary, the available evidence is currently insufficient to determine the role of this variant in disease. Therefore, it has been classified as a Variant of Uncertain Significance.

NM_201550.4(LRRC10):c.125G>C (p.Arg42Pro)

Gene: LRRC10 (leucine rich repeat containing 10; minus strand). Cytogenetic location: 12q15.
Variant type: single nucleotide variant.
Coding change: c.125G>C on transcript NM_201550.4 (MANE Select); coding-DNA position 125, G replaced by C.
Protein change: p.Arg42Pro; replaces arginine 42 with proline.
Molecular consequence: missense variant.
Genome position (GRCh38, 1-based): chr12:69,610,714, C>G on the plus strand (G>C on the coding strand, the complement: LRRC10 is on the minus strand). VCF-style: chr12-69610714-C-G. GRCh37 (hg19) VCF-style: chr12-70004494-C-G.
Other names: short protein forms R42P.
Identifiers: ClinVar variation 1520734 (VCV001520734.8), dbSNP rs746667362, ClinGen allele CA385738071.